The following is an entry in ClinVar:

NM_001365999.1(SZT2):c.9523C>G (p.Pro3175Ala)

Genes: SZT2 (SZT2 subunit of KICSTOR complex; plus strand), SZT2-AS1 (SZT2 antisense RNA 1; minus strand). Cytogenetic location: 1p34.2.
Variant type: single nucleotide variant.
Coding change: c.9523C>G on transcript NM_001365999.1 (MANE Select); coding-DNA position 9523, C replaced by G.
Protein change: p.Pro3175Ala; replaces proline 3175 with alanine.
Molecular consequence: missense variant. On other transcripts: non-coding transcript variant (1).
Genome position (GRCh38, 1-based): chr1:43,447,931, C>G. VCF-style: chr1-43447931-C-G. GRCh37 (hg19) VCF-style: chr1-43913602-C-G.
Other names: c.9352C>G, p.Pro3118Ala (NM_015284.4); c.9352C>G (NM_015284.3); short protein forms P3175A, P3118A.
Identifiers: ClinVar variation 1418655 (VCV001418655.11), dbSNP rs772312797, ClinGen allele CA340043572.

ClinVar aggregate classification (germline): Uncertain significance. Review status: criteria provided, multiple submitters, no conflicts (2 of 4 stars). 4 submissions from 4 submitters: Uncertain significance (4). Last evaluated 2024-09-14.

Conditions:
Developmental and epileptic encephalopathy, 18 (DEE18). Also called: Early infantile epileptic encephalopathy 18. Identifiers: Orphanet 369894, MedGen C3809624, MONDO:0014201, OMIM 615476.
Inborn genetic diseases. Identifiers: MedGen C0950123, MeSH D030342.

gnomAD v4.1: 7 of 1,614,062 alleles (0.00043%); highest among the groups gnomAD compares: Non-Finnish European, 0.00059%; no homozygotes.

Submissions (4):

Blueprint Genetics
Classification: Uncertain significance. Last evaluated: 2024-09-14. Review status: criteria provided, single submitter. Criteria: ACMG Guidelines, 2015. Collection method: clinical testing. Allele origin: germline.

Labcorp Genetics (formerly Invitae), Labcorp
Classification: Uncertain significance. Last evaluated: 2024-03-11. Review status: criteria provided, single submitter. Criteria: Invitae Variant Classification Sherloc (09022015). Collection method: clinical testing. Allele origin: germline.
Comment: This sequence change replaces proline, which is neutral and non-polar, with alanine, which is neutral and non-polar, at codon 3118 of the SZT2 protein (p.Pro3118Ala). This variant is not present in population databases (gnomAD no frequency). This variant has not been reported in the literature in individuals affected with SZT2-related conditions. ClinVar contains an entry for this variant (Variation ID: 1418655). Advanced modeling of protein sequence and biophysical properties (such as structural, functional, and spatial information, amino acid conservation, physicochemical variation, residue mobility, and thermodynamic stability) performed at Invitae indicates that this missense variant is expected to disrupt SZT2 protein function with a positive predictive value of 80%. In summary, the available evidence is currently insufficient to determine the role of this variant in disease. Therefore, it has been classified as a Variant of Uncertain Significance.

Ambry Genetics
Classification: Uncertain significance for Inborn genetic diseases. Last evaluated: 2023-09-12. Review status: criteria provided, single submitter. Criteria: Ambry Variant Classification Scheme 2023. Collection method: clinical testing. Allele origin: germline.

Genome-Nilou Lab
Classification: Uncertain significance for Developmental and epileptic encephalopathy, 18. Last evaluated: 2023-04-11. Review status: criteria provided, single submitter. Criteria: ACMG Guidelines, 2015. Collection method: clinical testing. Allele origin: germline. Affected: no.